The following is an entry in ClinVar:

ClinVar aggregate classification (germline): Uncertain significance (1 of 4 stars; one submission).

Submission:

GeneDx
Classification: Uncertain significance. Last evaluated: 2024-02-05. Review status: criteria provided, single submitter. Criteria: GeneDx Variant Classification Process June 2021. Collection method: clinical testing. Allele origin: germline. Affected: yes.
Comment: Not observed at significant frequency in large population cohorts (gnomAD); In silico analysis suggests this variant may impact gene splicing. In the absence of RNA/functional studies, the actual effect of this sequence change is unknown.; In silico analysis supports that this missense variant does not alter protein structure/function; Has not been previously published as pathogenic or benign to our knowledge

NM_032271.3(TRAF7):c.495C>G (p.Asn165Lys)

Gene: TRAF7 (TNF receptor associated factor 7; plus strand). Cytogenetic location: 16p13.3.
Variant type: single nucleotide variant.
Coding change: c.495C>G on transcript NM_032271.3 (MANE Select); coding-DNA position 495, C replaced by G.
Protein change: p.Asn165Lys; replaces asparagine 165 with lysine.
Molecular consequence: missense variant.
Genome position (GRCh38, 1-based): chr16:2,172,210, C>G. VCF-style: chr16-2172210-C-G. GRCh37 (hg19) VCF-style: chr16-2222211-C-G.
Other names: short protein forms N165K.
Identifiers: ClinVar variation 3368819 (VCV003368819.1).